The following is an entry in ClinVar:

NM_001244008.2(KIF1A):c.3194C>T (p.Thr1065Ile)

Gene: KIF1A (kinesin family member 1A; minus strand). Cytogenetic location: 2q37.3.
Variant type: single nucleotide variant.
Coding change: c.3194C>T on transcript NM_001244008.2 (MANE Select); coding-DNA position 3194, C replaced by T.
Protein change: p.Thr1065Ile; replaces threonine 1065 with isoleucine.
Molecular consequence: missense variant.
Genome position (GRCh38, 1-based): chr2:240,746,047, G>A on the plus strand (C>T on the coding strand, the complement: KIF1A is on the minus strand). VCF-style: chr2-240746047-G-A. GRCh37 (hg19) VCF-style: chr2-241685464-G-A.
Other names: c.2918C>T, p.Thr973Ile (NM_001320705.2, NM_001330289.2, NM_001379638.1); c.2993C>T, p.Thr998Ile (NM_001330290.2, NM_001379634.1, NM_001379635.1 and 1 more transcripts); c.3269C>T, p.Thr1090Ile (NM_001379631.1); c.3143C>T, p.Thr1048Ile (NM_001379632.1); c.3167C>T, p.Thr1056Ile (NM_001379633.1, NM_001379642.1, NM_001379645.1); c.2891C>T, p.Thr964Ile (NM_001379636.1, NM_001379639.1, NM_001379640.1 and 7 more transcripts); c.2966C>T, p.Thr989Ile (NM_001379637.1, NM_001379648.1); short protein forms T973I, T989I, T1048I, T1090I, T998I, T964I, T1056I, T1065I.
Identifiers: ClinVar variation 1961707 (VCV001961707.5), dbSNP rs947971793, ClinGen allele CA68157430.

ClinVar aggregate classification (germline): Uncertain significance (1 of 4 stars; one submission).

Conditions:
Hereditary spastic paraplegia 30. Identifiers: Orphanet 101010, MedGen C5235139, MONDO:0012476.
Neuropathy, hereditary sensory, type 2C. Also called: Hereditary sensory and autonomic neuropathy type IIC; KIF1A-Related HSAN2 (HSAN2C). Identifiers: Orphanet 970, MedGen C3280168, MONDO:0013634, OMIM 614213.
Intellectual disability, autosomal dominant 9 (NESCAVS). Also called: NESCAV SYNDROME; KIF1A-Related Neurodevelopmental Disorder. Identifiers: Orphanet 662367, MedGen C5393830, MONDO:0013656, OMIM 614255.

Allele frequency attached by ClinVar (database versions not stated): TOPMed 0.00001.
gnomAD v4.1: 1 of 1,607,798 alleles (0.000062%); highest among the groups gnomAD compares: Non-Finnish European, 0.000085%; no homozygotes.

Submission:

Labcorp Genetics (formerly Invitae), Labcorp
Classification: Uncertain significance for Hereditary spastic paraplegia 30; Neuropathy, hereditary sensory, type 2C; Intellectual disability, autosomal dominant 9. Last evaluated: 2022-08-23. Review status: criteria provided, single submitter. Criteria: Invitae Variant Classification Sherloc (09022015). Collection method: clinical testing. Allele origin: germline.
Comment: In summary, the available evidence is currently insufficient to determine the role of this variant in disease. Therefore, it has been classified as a Variant of Uncertain Significance. Advanced modeling of protein sequence and biophysical properties (such as structural, functional, and spatial information, amino acid conservation, physicochemical variation, residue mobility, and thermodynamic stability) performed at Invitae indicates that this missense variant is not expected to disrupt KIF1A protein function. This variant has not been reported in the literature in individuals affected with KIF1A-related conditions. This variant is not present in population databases (gnomAD no frequency). This sequence change replaces threonine, which is neutral and polar, with isoleucine, which is neutral and non-polar, at codon 964 of the KIF1A protein (p.Thr964Ile).